The following is an entry in ClinVar:

NM_022167.4(XYLT2):c.290G>A (p.Arg97Gln)

Gene: XYLT2 (xylosyltransferase 2; plus strand). Cytogenetic location: 17q21.33.
Variant type: single nucleotide variant.
Coding change: c.290G>A on transcript NM_022167.4 (MANE Select); coding-DNA position 290, G replaced by A.
Protein change: p.Arg97Gln; replaces arginine 97 with glutamine.
Molecular consequence: missense variant.
Genome position (GRCh38, 1-based): chr17:50,353,784, G>A. VCF-style: chr17-50353784-G-A. GRCh37 (hg19) VCF-style: chr17-48431145-G-A.
Other names: short protein forms R97Q.
Identifiers: ClinVar variation 1365268 (VCV001365268.3), dbSNP rs201002166, ClinGen allele CA8646126.

ClinVar aggregate classification (germline): Uncertain significance (1 of 4 stars; one submission).

Allele frequency attached by ClinVar (database versions not stated): gnomAD exomes 0.00016 and 0.00005; ExAC 0.00041; gnomAD 0.00049 and 0.00050; ESP Exome Variant Server 0.00064; 1000 Genomes Project 30x 0.00141; TOPMed 0.00049; 1000 Genomes Project 0.00120.

Submission:

Labcorp Genetics (formerly Invitae), Labcorp
Classification: Uncertain significance. Last evaluated: 2022-08-22. Review status: criteria provided, single submitter. Criteria: Invitae Variant Classification Sherloc (09022015). Collection method: clinical testing. Allele origin: germline.
Comment: This sequence change replaces arginine, which is basic and polar, with glutamine, which is neutral and polar, at codon 97 of the XYLT2 protein (p.Arg97Gln). This variant is present in population databases (rs201002166, gnomAD 0.1%). This variant has not been reported in the literature in individuals affected with XYLT2-related conditions. ClinVar contains an entry for this variant (Variation ID: 1365268). Algorithms developed to predict the effect of missense changes on protein structure and function are either unavailable or do not agree on the potential impact of this missense change (SIFT: "Tolerated"; PolyPhen-2: "Probably Damaging"; Align-GVGD: "Class C0"). In summary, the available evidence is currently insufficient to determine the role of this variant in disease. Therefore, it has been classified as a Variant of Uncertain Significance.